The following is an entry in ClinVar:

ClinVar aggregate classification (germline): Likely pathogenic (1 of 4 stars; one submission).

Conditions:
Postaxial polydactyly-anterior pituitary anomalies-facial dysmorphism syndrome. Also called: Culler-Jones syndrome. Identifiers: Orphanet 420584, MedGen C4014479, MONDO:0014369, OMIM 615849.
Holoprosencephaly 9 (HPE9). Also called: PITUITARY ANOMALIES WITH HOLOPROSENCEPHALY-LIKE FEATURES; HOLOPROSENCEPHALY WITH MICROPHTHALMIA AND FIRST BRANCHIAL ARCH ANOMALIES. Identifiers: Orphanet 2162, MedGen C1835819, MONDO:0012563, OMIM 610829.

Submission:

Department of Molecular Genetics, Istishari Arab Hospital
Classification: Likely pathogenic for Postaxial polydactyly-anterior pituitary anomalies-facial dysmorphism syndrome; Holoprosencephaly 9. Last evaluated: 2026-07-14. Review status: criteria provided, single submitter. Criteria: ACMG Guidelines, 2015. Collection method: clinical testing. Allele origin: germline. Inheritance: Autosomal dominant inheritance. Affected: yes.
Comment: The GLI2 variant c.1387G>T, p.Glu463* creates a premature stop codon at position 463 in exon 10 (of 14). The variant is not observed in the gnomAD v4.1.0 dataset, and to the best of our knowledge, it was not previously reported in the literature. It is classified as likely pathogenic according to the recommendations of ACMG/AMP/ClinGen SVI guidelines.

NM_001374353.1(GLI2):c.1387G>T (p.Glu463Ter)

Gene: GLI2 (GLI family zinc finger 2; plus strand). Cytogenetic location: 2q14.2.
Variant type: single nucleotide variant.
Coding change: c.1387G>T on transcript NM_001374353.1 (MANE Select); coding-DNA position 1387, G replaced by T.
Protein change: p.Glu463Ter; replaces glutamic acid 463 with a stop codon.
Molecular consequence: nonsense.
Genome position (GRCh38, 1-based): chr2:120,978,503, G>T. VCF-style: chr2-120978503-G-T. GRCh37 (hg19) VCF-style: chr2-121736079-G-T.
Other names: p.Glu463*; c.1438G>T, p.Glu480Ter (NM_001371271.1, NM_005270.5); c.1012G>T, p.Glu338Ter (NM_001374354.1); short protein forms E338*, E463*, E480*.
Identifiers: ClinVar variation 4871865 (VCV004871865.1).